The following is an entry in ClinVar:

NM_001852.4(COL9A2):c.1000G>A (p.Gly334Ser)

Gene: COL9A2 (collagen type IX alpha 2 chain; minus strand). Cytogenetic location: 1p34.2.
Variant type: single nucleotide variant.
Coding change: c.1000G>A on transcript NM_001852.4 (MANE Select); coding-DNA position 1000, G replaced by A.
Protein change: p.Gly334Ser; replaces glycine 334 with serine.
Molecular consequence: missense variant.
Genome position (GRCh38, 1-based): chr1:40,307,454, C>T on the plus strand (G>A on the coding strand, the complement: COL9A2 is on the minus strand). VCF-style: chr1-40307454-C-T. GRCh37 (hg19) VCF-style: chr1-40773126-C-T.
Other names: short protein forms G334S.
Identifiers: ClinVar variation 3495832 (VCV003495832.3).
Genomic context (GRCh38, chr1:40,307,454, plus strand): 5'-CTCATCAGCCACTAGCCCCTGGCCAGCCCCTGTGGCTCCACCTGACACTTACCGCTAGGC[C>T]CTGGTGGCCTGGACTTCCGGGCTGTCCCGCCTGTCCTGCACTGCCCTGGGATAGACAGAT-3'
Protein context (NP_001843.1, residues 324-344): AGQPGSPGHQ[Gly334Ser]LAGVPGQPGT

ClinVar aggregate classification (germline): Uncertain significance. Review status: criteria provided, multiple submitters, no conflicts (2 of 4 stars). 2 submissions from 2 submitters: Uncertain significance (2). Last evaluated 2024-09-30.

Conditions:
Inborn genetic diseases. Identifiers: MedGen C0950123, MeSH D030342.

gnomAD v4.1: 2 of 1,614,054 alleles (0.00012%); highest among the groups gnomAD compares: African/African-American, 0.0013%; no homozygotes.

Submissions (2):

Ambry Genetics
Classification: Uncertain significance for Inborn genetic diseases. Last evaluated: 2024-09-30. Review status: criteria provided, single submitter. Criteria: Ambry Variant Classification Scheme 2023. Collection method: clinical testing. Allele origin: germline.

Labcorp Genetics (formerly Invitae), Labcorp
Classification: Uncertain significance. Last evaluated: 2024-08-08. Review status: criteria provided, single submitter. Criteria: Invitae Variant Classification Sherloc (09022015). Collection method: clinical testing. Allele origin: germline.
Comment: This sequence change replaces glycine, which is neutral and non-polar, with serine, which is neutral and polar, at codon 334 of the COL9A2 protein (p.Gly334Ser). This variant is not present in population databases (gnomAD no frequency). This variant has not been reported in the literature in individuals affected with COL9A2-related conditions. Advanced modeling of protein sequence and biophysical properties (such as structural, functional, and spatial information, amino acid conservation, physicochemical variation, residue mobility, and thermodynamic stability) performed at Invitae indicates that this missense variant is expected to disrupt COL9A2 protein function with a positive predictive value of 95%. In summary, the available evidence is currently insufficient to determine the role of this variant in disease. Therefore, it has been classified as a Variant of Uncertain Significance.